The following is an entry in ClinVar:

NM_007294.4(BRCA1):c.5193+14G>A

Gene: BRCA1 (BRCA1 DNA repair associated; minus strand). Cytogenetic location: 17q21.31.
Variant type: single nucleotide variant.
Coding change: c.5193+14G>A on transcript NM_007294.4 (MANE Select); 14 bases into the intron after coding-DNA position 5193, G replaced by A.
Molecular consequence: intron variant.
Genome position (GRCh38, 1-based): chr17:43,063,319, C>T on the plus strand (G>A on the coding strand, the complement: BRCA1 is on the minus strand). VCF-style: chr17-43063319-C-T. GRCh37 (hg19) VCF-style: chr17-41215336-C-T.
Other names: c.1743+14G>A (NM_001408453.1, NM_001408455.1, NM_001408452.1 and 3 more transcripts); c.5049+14G>A (NM_001407737.1, NM_001407746.1, NM_001407738.1 and 21 more transcripts); c.5052+14G>A (NM_001407728.1, NM_007297.4, NM_001407731.1 and 13 more transcripts); c.1740+14G>A (NM_001408461.1, NM_001408464.1, NM_001408467.1 and 7 more transcripts); c.4983+14G>A (NM_001407886.1, NM_001407881.1, NM_001407887.1 and 5 more transcripts); c.5064+14G>A (NM_001407686.1, NM_001407685.1, NM_001407688.1 and 6 more transcripts); c.1878+14G>A (NM_001408397.1, NM_001408401.1, NM_001408396.1 and 8 more transcripts); c.5187+14G>A (NM_001407632.1, NM_001407627.1, NM_001407861.1 and 14 more transcripts); and 72 more.
Identifiers: ClinVar variation 868140 (VCV000868140.4), dbSNP rs2051850932, ClinGen allele CA916080012.
Genomic context (GRCh38, chr17:43,063,319, plus strand): 5'-GAAGGAAGCAAATACATTTTTAACTATATGACTGAATGAATATCTCTGGTTAGTTTGTAA[C>T]ATCAAGTACTTACCTCATTCAGCATTTTTCTTTCTTTAATAGACTGGGTCACCCCTAAAG-3'

ClinVar aggregate classification (germline): Likely benign (1 of 4 stars; one submission).

Conditions:
Hereditary breast ovarian cancer syndrome. Also called: Hereditary breast and ovarian cancer; Hereditary breast and ovarian cancer syndrome (HBOC); Breast and ovarian cancer; Hereditary breast and/or ovarian cancer syndrome; BRCA1- and BRCA2-Associated Hereditary Breast and Ovarian Cancer; Hereditary breast and ovarian cancer syndrome. Identifiers: Orphanet 145, MedGen C0677776, MeSH D061325, MONDO:0003582. Disease mechanism: loss of function.

Submissions (2):

Labcorp Genetics (formerly Invitae), Labcorp
Classification: Likely benign for Hereditary breast ovarian cancer syndrome. Last evaluated: 2025-09-08. Review status: criteria provided, single submitter. Criteria: Invitae Variant Classification Sherloc (09022015). Collection method: clinical testing. Allele origin: germline.

Brotman Baty Institute, University of Washington
No classification provided (evidence only). Condition: Breast-ovarian cancer, familial 1. Review status: no classification provided. Collection method: in vitro. Allele origin: not applicable. Functional consequence: functionally_normal. Not counted in ClinVar's aggregate classification.
ClinVar note: "not provided" was previously submitted as the classification for the variant. However, the classification appeared to be based only on an observation of functional data so it was converted to no classification on 2025-07-30.